The following is an entry in ClinVar:

NM_000147.5(FUCA1):c.1229T>G (p.Leu410Arg)

Gene: FUCA1 (alpha-L-fucosidase 1; minus strand). Cytogenetic location: 1p36.11.
Variant type: single nucleotide variant.
Coding change: c.1229T>G on transcript NM_000147.5 (MANE Select); coding-DNA position 1229, T replaced by G.
Protein change: p.Leu410Arg; replaces leucine 410 with arginine.
Molecular consequence: missense variant.
Genome position (GRCh38, 1-based): chr1:23,846,105, A>C on the plus strand (T>G on the coding strand, the complement: FUCA1 is on the minus strand). VCF-style: chr1-23846105-A-C. GRCh37 (hg19) VCF-style: chr1-24172595-A-C.
Other names: FUCA1, LEU405ARG; short protein forms L410R.
Identifiers: ClinVar variation 692 (VCV000000692.5), dbSNP rs80358199, ClinGen allele CA114446.

ClinVar aggregate classification (germline): Likely pathogenic. Review status: criteria provided, single submitter (1 of 4 stars). 2 submissions from 2 submitters: Likely pathogenic (1). 1 of the submissions does not count toward it. Last evaluated 2023-05-17.

Conditions:
Fucosidosis. Also called: ALPHA-L-FUCOSIDASE DEFICIENCY. Identifiers: Orphanet 349, MedGen C0016788, MONDO:0009254, OMIM 230000.

Allele frequency attached by ClinVar (database versions not stated): gnomAD exomes below 0.00001; gnomAD 0.00001.
gnomAD v4.1: 6 of 1,613,962 alleles (0.00037%); highest among the groups gnomAD compares: Non-Finnish European, 0.00051%; no homozygotes.

Submissions (2):

Labcorp Genetics (formerly Invitae), Labcorp
Classification: Likely pathogenic for Fucosidosis. Last evaluated: 2023-05-17. Review status: criteria provided, single submitter. Criteria: Invitae Variant Classification Sherloc (09022015). Collection method: clinical testing. Allele origin: germline.
Comment: This sequence change replaces leucine, which is neutral and non-polar, with arginine, which is basic and polar, at codon 410 of the FUCA1 protein (p.Leu410Arg). This variant is not present in population databases (gnomAD no frequency). This missense change has been observed in individual(s) with fucosidosis (PMID: 9762612). This variant is also known as L405R. ClinVar contains an entry for this variant (Variation ID: 692). Advanced modeling of protein sequence and biophysical properties (such as structural, functional, and spatial information, amino acid conservation, physicochemical variation, residue mobility, and thermodynamic stability) performed at Invitae indicates that this missense variant is expected to disrupt FUCA1 protein function. In summary, the currently available evidence indicates that the variant is pathogenic, but additional data are needed to prove that conclusively. Therefore, this variant has been classified as Likely Pathogenic.

OMIM
Classification: Pathogenic for FUCOSIDOSIS. Last evaluated: 1998-08-01. Review status: no assertion criteria provided. Collection method: literature only. Allele origin: germline. Not counted in ClinVar's aggregate classification.

Literature cited by the submitters: PubMed 9762612 (cited by Labcorp Genetics (formerly Invitae), Labcorp and OMIM); PubMed 1214294 (cited by OMIM).